The following is an entry in ClinVar:

ClinVar aggregate classification (germline): Uncertain significance (1 of 4 stars; one submission).

Submission:

Labcorp Genetics (formerly Invitae), Labcorp
Classification: Uncertain significance. Last evaluated: 2025-03-16. Review status: criteria provided, single submitter. Criteria: Invitae Variant Classification Sherloc (09022015). Collection method: clinical testing. Allele origin: germline.
Comment: This sequence change replaces threonine, which is neutral and polar, with isoleucine, which is neutral and non-polar, at codon 1757 of the ALPK3 protein (p.Thr1757Ile). This variant is not present in population databases (gnomAD no frequency). This variant has not been reported in the literature in individuals affected with ALPK3-related conditions. Invitae Evidence Modeling of protein sequence and biophysical properties (such as structural, functional, and spatial information, amino acid conservation, physicochemical variation, residue mobility, and thermodynamic stability) indicates that this missense variant is expected to disrupt ALPK3 protein function with a positive predictive value of 80%. In summary, the available evidence is currently insufficient to determine the role of this variant in disease. Therefore, it has been classified as a Variant of Uncertain Significance.

NM_020778.5(ALPK3):c.4664C>T (p.Thr1555Ile)

Gene: ALPK3 (alpha kinase 3; plus strand). Cytogenetic location: 15q25.3.
Variant type: single nucleotide variant.
Coding change: c.4664C>T on transcript NM_020778.5 (MANE Select); coding-DNA position 4664, C replaced by T.
Protein change: p.Thr1555Ile; replaces threonine 1555 with isoleucine.
Molecular consequence: missense variant.
Genome position (GRCh38, 1-based): chr15:84,864,606, C>T. VCF-style: chr15-84864606-C-T. GRCh37 (hg19) VCF-style: chr15-85407837-C-T.
Other names: short protein forms T1555I.
Identifiers: ClinVar variation 4743770 (VCV004743770.1).